The following is an entry in ClinVar:

NM_015627.3(LDLRAP1):c.130G>A (p.Glu44Lys)

Gene: LDLRAP1 (low density lipoprotein receptor adaptor protein 1; plus strand). Cytogenetic location: 1p36.11.
Variant type: single nucleotide variant.
Coding change: c.130G>A on transcript NM_015627.3 (MANE Select); coding-DNA position 130, G replaced by A.
Protein change: p.Glu44Lys; replaces glutamic acid 44 with lysine.
Molecular consequence: missense variant.
Genome position (GRCh38, 1-based): chr1:25,553,963, G>A. VCF-style: chr1-25553963-G-A. GRCh37 (hg19) VCF-style: chr1-25880454-G-A.
Other names: short protein forms E44K.
Identifiers: ClinVar variation 4976540 (VCV004976540.1).

ClinVar aggregate classification (germline): Uncertain significance (1 of 4 stars; one submission).

Submission:

GeneDx
Classification: Uncertain significance. Last evaluated: 2026-02-11. Review status: criteria provided, single submitter. Criteria: GeneDx Variant Classification Process June 2021. Collection method: clinical testing. Allele origin: germline.
Comment: Not observed at significant frequency in large population cohorts (gnomAD); In silico analysis supports that this missense variant has a deleterious effect on protein structure/function; Has not been previously published as pathogenic or benign to our knowledge